The following is an entry in ClinVar:

ClinVar aggregate classification (germline): Uncertain significance. Review status: criteria provided, multiple submitters, no conflicts (2 of 4 stars). 4 submissions from 4 submitters: Uncertain significance (4). Last evaluated 2025-01-21.

Conditions:
Hereditary cancer-predisposing syndrome. Also called: Neoplastic Syndromes, Hereditary; Hereditary neoplastic syndrome; Tumor predisposition; Hereditary Cancer Syndrome. Identifiers: Orphanet 140162, MedGen C0027672, MeSH D009386, MONDO:0015356.
Hereditary pheochromocytoma and paraganglioma. Also called: Hereditary Paraganglioma-Pheochromocytoma Syndromes; Hereditary paragangliomas and pheochromocytomas; Hereditary pheochromocytoma-paraganglioma. Identifiers: Orphanet 29072, MedGen C4274332, MONDO:0017366.

Allele frequency attached by ClinVar (database versions not stated): gnomAD exomes below 0.00001 and 0.00001; ExAC 0.00001.

Submissions (4):

Labcorp Genetics (formerly Invitae), Labcorp
Classification: Uncertain significance for Hereditary pheochromocytoma and paraganglioma. Last evaluated: 2025-01-21. Review status: criteria provided, single submitter. Criteria: Invitae Variant Classification Sherloc (09022015). Collection method: clinical testing. Allele origin: germline.
Comment: This sequence change replaces arginine, which is basic and polar, with cysteine, which is neutral and slightly polar, at codon 154 of the SDHAF2 protein (p.Arg154Cys). This variant is present in population databases (rs778585796, gnomAD 0.01%). This variant has not been reported in the literature in individuals affected with SDHAF2-related conditions. ClinVar contains an entry for this variant (Variation ID: 411608). An algorithm developed to predict the effect of missense changes on protein structure and function (PolyPhen-2) suggests that this variant is likely to be disruptive. In summary, the available evidence is currently insufficient to determine the role of this variant in disease. Therefore, it has been classified as a Variant of Uncertain Significance.

Ambry Genetics
Classification: Uncertain significance for Hereditary cancer-predisposing syndrome. Last evaluated: 2024-10-01. Review status: criteria provided, single submitter. Criteria: Ambry Variant Classification Scheme 2023. Collection method: clinical testing. Allele origin: germline.
Comment: The p.R154C variant (also known as c.460C>T), located in coding exon 4 of the SDHAF2 gene, results from a C to T substitution at nucleotide position 460. The arginine at codon 154 is replaced by cysteine, an amino acid with highly dissimilar properties. This amino acid position is well conserved in available vertebrate species. In addition, the in silico prediction for this alteration is inconclusive. Since supporting evidence is limited at this time, the clinical significance of this alteration remains unclear.

All of Us Research Program, National Institutes of Health
Classification: Uncertain significance for Hereditary pheochromocytoma and paraganglioma. Last evaluated: 2024-05-17. Review status: criteria provided, single submitter. Criteria: ACMG Guidelines, 2015. Collection method: clinical testing. Allele origin: germline. Inheritance: Autosomal dominant inheritance. Observed: 3 variant alleles, 3 heterozygotes.
Comment: This study involves interpretation of variants in research participants for the purpose of population health screening. Participant phenotype was not available at the time of variant classification. Additional details can be found in publication PMID: 35346344, PMCID: PMC8962531

GeneDx
Classification: Uncertain significance. Last evaluated: 2024-03-26. Review status: criteria provided, single submitter. Criteria: GeneDx Variant Classification Process June 2021. Collection method: clinical testing. Allele origin: germline. Affected: yes.
Comment: Not observed at significant frequency in large population cohorts (gnomAD); In silico analysis supports that this missense variant has a deleterious effect on protein structure/function; Has not been previously published as pathogenic or benign to our knowledge

NM_017841.4(SDHAF2):c.460C>T (p.Arg154Cys)

Gene: SDHAF2 (succinate dehydrogenase complex assembly factor 2; plus strand). Cytogenetic location: 11q12.2.
Variant type: single nucleotide variant.
Coding change: c.460C>T on transcript NM_017841.4 (MANE Select); coding-DNA position 460, C replaced by T.
Protein change: p.Arg154Cys; replaces arginine 154 with cysteine.
Molecular consequence: missense variant.
Genome position (GRCh38, 1-based): chr11:61,446,030, C>T. VCF-style: chr11-61446030-C-T. GRCh37 (hg19) VCF-style: chr11-61213502-C-T.
Other names: short protein forms R154C.
Identifiers: ClinVar variation 411608 (VCV000411608.19), dbSNP rs778585796, ClinGen allele CA059391.
Genomic context (GRCh38, chr11:61,446,030, plus strand): 5'-AATGAAGTCATGGCCCTGCTGAGAGACTTTGCTAAAAACAAAAACAAAGAGCAGAGACTG[C>T]GTGCCCCAGATCTTGAGTACCTCTTTGAAAAGCCACGTTGAGCTGTGCTCCACGGCCTGG-3'
Protein context (NP_060311.1, residues 144-164): AKNKNKEQRL[Arg154Cys]APDLEYLFEK